The following is an entry in ClinVar:

ClinVar aggregate classification (germline): Pathogenic (1 of 4 stars; one submission).

Conditions:
Smith-Lemli-Opitz syndrome (SLOS). Also called: 7-Dehydrocholesterol reductase deficiency; LETHAL ACRODYSGENITAL SYNDROME; POLYDACTYLY, SEX REVERSAL, RENAL HYPOPLASIA, AND UNILOBAR LUNG; RSH SYNDROME; RUTLEDGE LETHAL MULTIPLE CONGENITAL ANOMALY SYNDROME. Identifiers: Orphanet 818, MedGen C0175694, MONDO:0010035, OMIM 270400.

Submission:

Labcorp Genetics (formerly Invitae), Labcorp
Classification: Pathogenic for Smith-Lemli-Opitz syndrome. Last evaluated: 2022-09-15. Review status: criteria provided, single submitter. Criteria: Invitae Variant Classification Sherloc (09022015). Collection method: clinical testing. Allele origin: germline.
Comment: This variant is a gross deletion of the genomic region encompassing exon(s) 3-4 of the DHCR7 gene, which includes the initiator codon. This deletion extends beyond the assayed region for this gene and therefore may encompass additional genes. It is expected to result in an absent or disrupted protein product. Loss-of-function variants in DHCR7 are known to be pathogenic (PMID: 9634533, 10677299). A similar copy number variant has been observed in individual(s) with Smith-Lemli-Opitz syndrome (PMID: 20104611). In at least one individual the data is consistent with being in trans (on the opposite chromosome) from a pathogenic variant. For these reasons, this variant has been classified as Pathogenic.

Literature cited by the submitters: PubMed 9634533; PubMed 10677299; PubMed 20104611.

NC_000011.10:g.(?_71443983)_(71444962_?)del

Gene: DHCR7 (7-dehydrocholesterol reductase; minus strand). Cytogenetic location: 11q13.4.
Variant type: Deletion.
Identifiers: ClinVar variation 832024 (VCV000832024.5).